The following is an entry in ClinVar:

NM_001848.3(COL6A1):c.2045G>A (p.Arg682Gln)

Gene: COL6A1 (collagen type VI alpha 1 chain; plus strand). Cytogenetic location: 21q22.3.
Variant type: single nucleotide variant.
Coding change: c.2045G>A on transcript NM_001848.3 (MANE Select); coding-DNA position 2045, G replaced by A.
Protein change: p.Arg682Gln; replaces arginine 682 with glutamine.
Molecular consequence: missense variant.
Genome position (GRCh38, 1-based): chr21:46,002,049, G>A. VCF-style: chr21-46002049-G-A. GRCh37 (hg19) VCF-style: chr21-47421963-G-A.
Other names: p.Arg682Gln; short protein forms R682Q.
Identifiers: ClinVar variation 196680 (VCV000196680.62), dbSNP rs148962954, ClinGen allele CA243745.

ClinVar aggregate classification (germline): Conflicting classifications of pathogenicity. Review status: criteria provided, conflicting classifications (1 of 4 stars). 8 submissions from 8 submitters: Uncertain significance (3); Benign (1); Likely benign (4). Last evaluated 2025-12-20.

Conditions:
Collagen 6-related myopathy. Identifiers: MedGen CN117976, MONDO:0100225.
Bethlem myopathy 1A. Also called: MYOPATHY, BENIGN CONGENITAL, WITH CONTRACTURES; Bethlem myopathy 1; Bethlem Muscular Dystrophy. Identifiers: Orphanet 610, MedGen CN029274, MONDO:0024530, OMIM 158810.

Allele frequency attached by ClinVar (database versions not stated): ESP Exome Variant Server 0.00015; TOPMed 0.00023; gnomAD 0.00024; gnomAD exomes 0.00024 and 0.00038; ExAC 0.00027.
gnomAD v4.1: 577 of 1,611,764 alleles (0.036%); highest among the groups gnomAD compares: Non-Finnish European, 0.045%; 1 homozygote.

Submissions (8):

Labcorp Genetics (formerly Invitae), Labcorp
Classification: Likely benign for Bethlem myopathy 1A. Last evaluated: 2025-12-20. Review status: criteria provided, single submitter. Criteria: Invitae Variant Classification Sherloc (09022015). Collection method: clinical testing. Allele origin: germline.

Laboratory of Genetics, Children's Clinical University Hospital Latvia
Classification: Likely benign. Last evaluated: 2025-02-16. Review status: criteria provided, single submitter. Criteria: ACMG Guidelines, 2015. Collection method: clinical testing. Allele origin: germline. Affected: yes.

CeGaT Center for Human Genetics Tuebingen
Classification: Uncertain significance. Last evaluated: 2024-12-01. Review status: criteria provided, single submitter. Criteria: CeGaT Center For Human Genetics Tuebingen Variant Classification Criteria Version 2. Collection method: clinical testing. Allele origin: germline. Affected: yes. Observed: 5 variant alleles.
Comment: COL6A1: PM2, BP4

Mayo Clinic Laboratories, Mayo Clinic
Classification: Uncertain significance. Last evaluated: 2024-01-30. Review status: criteria provided, single submitter. Criteria: ACMG Guidelines, 2015. Collection method: clinical testing. Allele origin: germline. Observed: 1 variant allele.
Comment: BP4

Revvity Omics, Revvity
Classification: Likely benign. Last evaluated: 2023-11-16. Review status: criteria provided, single submitter. Criteria: ACMG Guidelines, 2015. Collection method: clinical testing. Allele origin: germline.

Eurofins Ntd Llc (ga)
Classification: Uncertain significance. Last evaluated: 2018-08-17. Review status: criteria provided, single submitter. Criteria: EGL ClinVar v180209 classification definitions. Collection method: clinical testing. Allele origin: germline. Observed: 7 variant alleles, 7 heterozygotes.

Illumina Laboratory Services, Illumina
Classification: Benign for Collagen VI-related myopathy. Last evaluated: 2018-01-13. Review status: criteria provided, single submitter. Criteria: ICSL Variant Classification Criteria 13 December 2019. Collection method: clinical testing. Allele origin: germline.
Comment: This variant was observed in the ICSL laboratory as part of a predisposition screen in an ostensibly healthy population. It had not been previously curated by ICSL or reported in the Human Gene Mutation Database (HGMD: prior to June 1st, 2018), and was therefore a candidate for classification through an automated scoring system. Utilizing variant allele frequency, disease prevalence and penetrance estimates, and inheritance mode, an automated score was calculated to assess if this variant is too frequent to cause the disease. Based on the score and internal cut-off values, a variant classified as benign is not then subjected to further curation. The score for this variant resulted in a classification of benign for this disease.

PreventionGenetics, part of Exact Sciences
Classification: Likely benign. Review status: criteria provided, single submitter. Criteria: ACMG Guidelines, 2015. Collection method: clinical testing. Allele origin: germline.

Literature cited by the submitters: PubMed 30564623 (cited by Mayo Clinic Laboratories, Mayo Clinic).